The following is an entry in ClinVar:

ClinVar aggregate classification (germline): Uncertain significance (1 of 4 stars; one submission).

Allele frequency attached by ClinVar (database versions not stated): TOPMed below 0.00001.
gnomAD v4.1: 3 of 1,614,224 alleles (0.00019%); highest among the groups gnomAD compares: Admixed American, 0.005%; no homozygotes.

Submission:

Labcorp Genetics (formerly Invitae), Labcorp
Classification: Uncertain significance. Last evaluated: 2025-05-19. Review status: criteria provided, single submitter. Criteria: Invitae Variant Classification Sherloc (09022015). Collection method: clinical testing. Allele origin: germline.
Comment: This sequence change replaces glutamic acid, which is acidic and polar, with lysine, which is basic and polar, at codon 2629 of the SRCAP protein (p.Glu2629Lys). This variant is present in population databases (no rsID available, gnomAD 0.003%). This variant has not been reported in the literature in individuals affected with SRCAP-related conditions. ClinVar contains an entry for this variant (Variation ID: 2960126). Invitae Evidence Modeling of protein sequence and biophysical properties (such as structural, functional, and spatial information, amino acid conservation, physicochemical variation, residue mobility, and thermodynamic stability) indicates that this missense variant is not expected to disrupt SRCAP protein function with a negative predictive value of 80%. In summary, the available evidence is currently insufficient to determine the role of this variant in disease. Therefore, it has been classified as a Variant of Uncertain Significance.

NM_006662.3(SRCAP):c.7885G>A (p.Glu2629Lys)

Gene: SRCAP (Snf2 related CREBBP activator protein; plus strand). Cytogenetic location: 16p11.2.
Variant type: single nucleotide variant.
Coding change: c.7885G>A on transcript NM_006662.3 (MANE Select); coding-DNA position 7885, G replaced by A.
Protein change: p.Glu2629Lys; replaces glutamic acid 2629 with lysine.
Molecular consequence: missense variant.
Genome position (GRCh38, 1-based): chr16:30,737,925, G>A. VCF-style: chr16-30737925-G-A. GRCh37 (hg19) VCF-style: chr16-30749246-G-A.
Other names: short protein forms E2629K.
Identifiers: ClinVar variation 2960126 (VCV002960126.3), dbSNP rs1292951839, ClinGen allele CA395634924.
Genomic context (GRCh38, chr16:30,737,925, plus strand): 5'-CTGACCTTGGAGGCTGGCAGCATCCCCAATGGTCAAGAGCAGGAGGCACCAGATTCTGCT[G>A]AGGGGACCACCCTTACAGTGCTGCCTGAAGGTGAGGAGTTGCCCCTGTGTGTGAGTGAGA-3'
Protein context (NP_006653.2, residues 2619-2639): GQEQEAPDSA[Glu2629Lys]GTTLTVLPEG